The following is an entry in ClinVar:

NM_000392.5(ABCC2):c.4509-9T>C

Gene: ABCC2 (ATP binding cassette subfamily C member 2; plus strand). Cytogenetic location: 10q24.2.
Variant type: single nucleotide variant.
Coding change: c.4509-9T>C on transcript NM_000392.5 (MANE Select); 9 bases into the intron before coding-DNA position 4509, T replaced by C.
Molecular consequence: intron variant.
Genome position (GRCh38, 1-based): chr10:99,851,493, T>C. VCF-style: chr10-99851493-T-C. GRCh37 (hg19) VCF-style: chr10-101611250-T-C.
Other names: c.4509-9T>C (LRG_1208t1).
Identifiers: ClinVar variation 196730 (VCV000196730.18), dbSNP rs180717330, ClinGen allele CA202527.

ClinVar aggregate classification (germline): Benign/Likely benign. Review status: criteria provided, multiple submitters, no conflicts (2 of 4 stars). 4 submissions from 4 submitters: Benign (2); Likely benign (2). Last evaluated 2026-01-19.

Conditions:
Dubin-Johnson syndrome (DJS). Also called: Jaundice, Chronic Idiopathic; HYPERBILIRUBINEMIA, DUBIN-JOHNSON TYPE; Hyperbilirubinemia type 2. Identifiers: Orphanet 234, MedGen C0022350, MONDO:0009380, OMIM 237500.

Allele frequency attached by ClinVar (database versions not stated): 1000 Genomes Project 30x 0.00125; TOPMed 0.00153; 1000 Genomes Project 0.00160; ESP Exome Variant Server 0.00231; gnomAD exomes 0.00249 and 0.00269; ExAC 0.00285; gnomAD 0.00287 and 0.00294.

Submissions (4):

Labcorp Genetics (formerly Invitae), Labcorp
Classification: Benign. Last evaluated: 2026-01-19. Review status: criteria provided, single submitter. Criteria: Invitae Variant Classification Sherloc (09022015). Collection method: clinical testing. Allele origin: germline.

Blueprint Genetics
Classification: Likely benign. Last evaluated: 2024-11-27. Review status: criteria provided, single submitter. Criteria: ACMG Guidelines, 2015. Collection method: clinical testing. Allele origin: germline.

Illumina Laboratory Services, Illumina
Classification: Likely benign for Dubin-Johnson syndrome. Last evaluated: 2018-01-12. Review status: criteria provided, single submitter. Criteria: ICSL Variant Classification Criteria 13 December 2019. Collection method: clinical testing. Allele origin: germline.
Comment: This variant was observed in the ICSL laboratory as part of a predisposition screen in an ostensibly healthy population. It had not been previously curated by ICSL or reported in the Human Gene Mutation Database (HGMD: prior to June 1st, 2018), and was therefore a candidate for classification through an automated scoring system. Utilizing variant allele frequency, disease prevalence and penetrance estimates, and inheritance mode, an automated score was calculated to assess if this variant is too frequent to cause the disease. Based on the score and internal cut-off values, a variant classified as likely benign is not then subjected to further curation. The score for this variant resulted in a classification of likely benign for this disease.

Eurofins Ntd Llc (ga)
Classification: Benign. Last evaluated: 2014-10-06. Review status: criteria provided, single submitter. Criteria: EGL Classification Definitions 2015. Collection method: clinical testing. Allele origin: germline. Observed: 1 variant allele, 1 heterozygote.